The following is an entry in ClinVar:

ClinVar aggregate classification (germline): Uncertain significance (1 of 4 stars; one submission).

Conditions:
Long QT syndrome (LQTS). Identifiers: MedGen C0023976, MeSH D008133, MONDO:0002442. Disease mechanism: loss of function. Inheritance: Various modes of inheritance.

Submissions (2):

Labcorp Genetics (formerly Invitae), Labcorp
Classification: Uncertain significance for Long QT syndrome. Last evaluated: 2022-06-28. Review status: criteria provided, single submitter. Criteria: Invitae Variant Classification Sherloc (09022015). Collection method: clinical testing. Allele origin: germline.
Comment: This sequence change replaces isoleucine, which is neutral and non-polar, with phenylalanine, which is neutral and non-polar, at codon 82 of the KCNE1 protein (p.Ile82Phe). This variant is not present in population databases (gnomAD no frequency). This missense change has been observed in individual(s) with long-QT syndrome (PMID: 27871843). Algorithms developed to predict the effect of missense changes on protein structure and function are either unavailable or do not agree on the potential impact of this missense change (SIFT: "Deleterious"; PolyPhen-2: "Probably Damaging"; Align-GVGD: "Class C15"). In summary, the available evidence is currently insufficient to determine the role of this variant in disease. Therefore, it has been classified as a Variant of Uncertain Significance.

Roden Lab, Vanderbilt University Medical Center
No classification provided (evidence only). Condition: Long QT syndrome 5. Review status: no classification provided. Collection method: in vitro. Allele origin: not applicable. Functional consequence: Effect on ion channel function. Not counted in ClinVar's aggregate classification.
ClinVar note: "not provided" was previously submitted as the classification for the variant. However, the classification appeared to be based only on an observation of functional data so it was converted to no classification on 2025-07-30.

Literature cited by the submitters: PubMed 27871843 (cited by Labcorp Genetics (formerly Invitae), Labcorp).

NM_000219.6(KCNE1):c.244A>T (p.Ile82Phe)

Gene: KCNE1 (potassium voltage-gated channel subfamily E regulatory subunit 1; minus strand). Cytogenetic location: 21q22.12.
Variant type: single nucleotide variant.
Coding change: c.244A>T on transcript NM_000219.6 (MANE Select); coding-DNA position 244, A replaced by T.
Protein change: p.Ile82Phe; replaces isoleucine 82 with phenylalanine.
Molecular consequence: missense variant.
Genome position (GRCh38, 1-based): chr21:34,449,391, T>A on the plus strand (A>T on the coding strand, the complement: KCNE1 is on the minus strand). VCF-style: chr21-34449391-T-A. GRCh37 (hg19) VCF-style: chr21-35821689-T-A.
Other names: c.244A>T, p.Ile82Phe (NM_001127668.4, NM_001127669.4, NM_001127670.4 and 4 more transcripts); short protein forms I82F.
Identifiers: ClinVar variation 1410431 (VCV001410431.5), dbSNP rs2123457694, ClinGen allele CA410198193.